The following is an entry in ClinVar:

NM_003793.4(CTSF):c.762G>A (p.Arg254=)

Gene: CTSF (cathepsin F; minus strand). Cytogenetic location: 11q13.2.
Variant type: single nucleotide variant.
Coding change: c.762G>A on transcript NM_003793.4 (MANE Select); coding-DNA position 762, G replaced by A.
Protein change: p.Arg254=; no amino-acid change (arginine 254 retained).
Molecular consequence: synonymous variant.
Genome position (GRCh38, 1-based): chr11:66,566,127, C>T on the plus strand (G>A on the coding strand, the complement: CTSF is on the minus strand). VCF-style: chr11-66566127-C-T. GRCh37 (hg19) VCF-style: chr11-66333598-C-T.
Identifiers: ClinVar variation 259172 (VCV000259172.27), dbSNP rs545009, ClinGen allele CA6125442.

ClinVar aggregate classification (germline): Benign. Review status: criteria provided, multiple submitters, no conflicts (2 of 4 stars). 11 submissions from 11 submitters: Benign (9). 2 of the submissions do not count toward it. Last evaluated 2026-02-04.

Conditions:
Inborn genetic diseases. Identifiers: MedGen C0950123, MeSH D030342.
Neuronal ceroid lipofuscinosis 13 (CLN13). Also called: CEROID LIPOFUSCINOSIS, NEURONAL, 13 (KUFS TYPE); CLN13 Disease. Identifiers: Orphanet 352709, Orphanet 79262, MedGen C3715049, MONDO:0014147, OMIM 615362.

Allele frequency attached by ClinVar (database versions not stated): gnomAD exomes 0.52165; ExAC 0.53077; 1000 Genomes Project 0.58886; 1000 Genomes Project 30x 0.59541; TOPMed 0.60630; gnomAD 0.61054 and 0.62158; ESP Exome Variant Server 0.62656.

Submissions (11):

Labcorp Genetics (formerly Invitae), Labcorp
Classification: Benign for Neuronal ceroid lipofuscinosis 13. Last evaluated: 2026-02-04. Review status: criteria provided, single submitter. Criteria: Invitae Variant Classification Sherloc (09022015). Collection method: clinical testing. Allele origin: germline.

Blueprint Genetics
Classification: Benign. Last evaluated: 2024-11-27. Review status: criteria provided, single submitter. Criteria: ACMG Guidelines, 2015. Collection method: clinical testing. Allele origin: germline.

Genome-Nilou Lab
Classification: Benign for Neuronal ceroid lipofuscinosis 13. Last evaluated: 2021-07-30. Review status: criteria provided, single submitter. Criteria: ACMG Guidelines, 2015. Collection method: clinical testing. Allele origin: germline. Affected: no.

GeneDx
Classification: Benign. Last evaluated: 2018-06-13. Review status: criteria provided, single submitter. Criteria: GeneDx Variant Classification (06012015). Collection method: clinical testing. Allele origin: germline. Affected: yes.
Comment: This variant is considered likely benign or benign based on one or more of the following criteria: it is a conservative change, it occurs at a poorly conserved position in the protein, it is predicted to be benign by multiple in silico algorithms, and/or has population frequency not consistent with disease.

Athena Diagnostics
Classification: Benign. Last evaluated: 2017-04-20. Review status: criteria provided, single submitter. Criteria: Athena Diagnostics Criteria. Collection method: clinical testing. Allele origin: germline.

Ambry Genetics
Classification: Benign for Inborn genetic diseases. Last evaluated: 2016-01-08. Review status: criteria provided, single submitter. Criteria: Ambry Variant Classification Scheme 2023. Collection method: clinical testing. Allele origin: germline.

Clinical Genetics DNA and cytogenetics Diagnostics Lab, Erasmus MC, Erasmus Medical Center
Classification: Benign for Neuronal ceroid lipofuscinosis 13. Last evaluated: 2015-09-21. Review status: criteria provided, single submitter. Criteria: ACGS Guidelines, 2013. Collection method: clinical testing. Allele origin: germline. Affected: yes. Study: VKGL Data-share Consensus.

Breakthrough Genomics
Classification: Benign. Review status: criteria provided, single submitter. Criteria: ACMG Guidelines, 2015. Collection method: not provided. Allele origin: germline. Inheritance: Autosomal recessive inheritance. Affected: yes.

PreventionGenetics, part of Exact Sciences
Classification: Benign. Review status: criteria provided, single submitter. Criteria: ACMG Guidelines, 2015. Collection method: clinical testing. Allele origin: germline.

Genome Diagnostics Laboratory, Amsterdam University Medical Center
Classification: Benign for Neuronal ceroid lipofuscinosis 13. Last evaluated: 2016-04-22. Review status: no assertion criteria provided. Criteria: ACGS Guidelines, 2013. Collection method: clinical testing. Allele origin: germline. Affected: yes. Study: VKGL Data-share Consensus. Not counted in ClinVar's aggregate classification.

Mayo Clinic Laboratories, Mayo Clinic
Classification: Benign. Last evaluated: 2015-10-22. Review status: no assertion criteria provided. Collection method: clinical testing. Allele origin: unknown. Not counted in ClinVar's aggregate classification.